The following is an entry in ClinVar:

NM_001348041.4(BBS9):c.2680_2684delinsGACT (p.His894fs)

Gene: BBS9 (Bardet-Biedl syndrome 9; plus strand). Cytogenetic location: 7p14.3.
Variant type: Indel.
Coding change: c.2680_2684delinsGACT on transcript NM_001348041.4; coding-DNA positions 2680 to 2684, CACTC replaced by GACT.
Protein change: p.His894fs; shifts the reading frame from histidine 894.
Molecular consequence: frameshift variant.
Genome position (GRCh38, 1-based): chr7:33,635,224-33,635,228, CACTC replaced by GACT. VCF-style: chr7-33635224-CACTC-GACT. GRCh37 (hg19) VCF-style: chr7-33674836-CACTC-GACT.
Other names: c.2569_2573delinsGACT, p.His857fs (NM_001362679.1); short protein forms H857fs, H894fs.
Identifiers: ClinVar variation 3354479 (VCV003354479.1).

ClinVar aggregate classification (germline): Uncertain significance (0 of 4 stars; one submission).

Conditions:
BBS9-related disorder. Also called: BBS9-related condition.

Submission:

PreventionGenetics, part of Exact Sciences
Classification: Uncertain significance for BBS9-related condition. Last evaluated: 2024-01-31. Review status: no assertion criteria provided. Collection method: clinical testing. Allele origin: germline.
Comment: The BBS9 c.2680_2684delinsGACT variant is predicted to result in a frameshift and premature protein termination (p.His894Aspfs*3). In an alternate transcript (NM_198428.2), this variant is found in a non-coding region (c.*29998_*30002delinsGACT). To our knowledge, this variant has not been reported in the literature or in a large population database, indicating this variant is rare. At this time, its clinical significance of this variant is uncertain due to the absence of conclusive functional and genetic information.